The following is an entry in ClinVar:

Single allele

Gene: CELA2A (chymotrypsin like elastase 2A; plus strand). Cytogenetic location: 1p36.21.
Variant type: Deletion.
Identifiers: ClinVar variation 156729 (VCV000156729.2).

ClinVar aggregate classification (germline): not provided (0 of 4 stars; one submission).

Conditions:
Normal pregnancy. Identifiers: MedGen C0232989.

Submission:

Institute of Molecular and Cell Biology, University of Tartu
No classification provided. Condition: Normal pregnancy. Review status: no classification provided. Collection method: case-control. Allele origin: unknown. Affected: yes. Study: Kasak2014.
Comment: The study aimed to determine the contribution of copy number variants in the genetic etiology of normal and complicated pregnancies. The samples represented (i) maternal blood DNA drawn from healthy pregnant women during 1st or 2nd trimester and (ii) maternal and paternal blood DNA drawn at term pregnancy cases representing normal and complicated gestations (severe preeclampsia, PE; gestational diabetes, GD; small-for-gestational age newborn, SGA; large-for-gestational age newborn, LGA). We performed CNV calling based on genome-wide genotyping dataset (Illumina HumanOmniExpress-24-v1 BeadChip) by applying three algorithms, QuantiSNP, GADA (Genome Alteration Detection Algorithm) and CNstream in parallel. The acquired CNV calls were merged with HD-CNV (Hotspot Detector for Copy Number Variants) program and only the CNVs predicted by at least two programs, were considered in subsequent analysis.

Literature cited by the submitters: PubMed 25666259.